The following is an entry in ClinVar:

NM_001379500.1(COL18A1):c.262TTC[1] (p.Phe89del)

Gene: COL18A1 (collagen type XVIII alpha 1 chain; plus strand). Cytogenetic location: 21q22.3.
Variant type: Microsatellite.
Coding change: c.262TTC[1] on transcript NM_001379500.1 (MANE Select); one copy of the 3-base unit TTC starting at c.262; the reference has two copies in a row; one copy, 3 bases deleted.
Protein change: p.Phe89del; deletes phenylalanine 89.
Molecular consequence: inframe deletion.
Genome position (GRCh38, 1-based): chr21:45,468,400-45,468,402, TTC deleted; deleting any 3 consecutive bases within chr21:45,468,395-45,468,402 gives the same sequence; the position shown is the placement nearest the transcript's 3' end. VCF-style (leftmost placement, unchanged base first): chr21-45468394-CTCT-C. GRCh37 (hg19) VCF-style: chr21-46888308-CTCT-C.
Other names: c.802TTC[1], p.Phe269del (NM_030582.4); c.1507TTC[1], p.Phe504del (NM_130444.3); short protein forms F269del, F89del, F504del.
Identifiers: ClinVar variation 1481771 (VCV001481771.3), dbSNP rs772443197, ClinGen allele CA10065707.

ClinVar aggregate classification (germline): Uncertain significance (1 of 4 stars; one submission).

Submission:

Labcorp Genetics (formerly Invitae), Labcorp
Classification: Uncertain significance. Last evaluated: 2022-09-12. Review status: criteria provided, single submitter. Criteria: Invitae Variant Classification Sherloc (09022015). Collection method: clinical testing. Allele origin: germline.
Comment: This variant, c.265_267del, results in the deletion of 1 amino acid(s) of the COL18A1 protein (p.Phe89del), but otherwise preserves the integrity of the reading frame. This variant is present in population databases (rs772443197, gnomAD 0.002%). This variant has not been reported in the literature in individuals affected with COL18A1-related conditions. Experimental studies and prediction algorithms are not available or were not evaluated, and the functional significance of this variant is currently unknown. In summary, the available evidence is currently insufficient to determine the role of this variant in disease. Therefore, it has been classified as a Variant of Uncertain Significance.